The following is an entry in ClinVar:

ClinVar aggregate classification (germline): Uncertain significance (1 of 4 stars; one submission).

Conditions:
Hereditary cancer-predisposing syndrome. Also called: Hereditary Cancer Syndrome; Neoplastic Syndromes, Hereditary; Tumor predisposition; Hereditary neoplastic syndrome. Identifiers: Orphanet 140162, MedGen C0027672, MeSH D009386, MONDO:0015356.

Submission:

Ambry Genetics
Classification: Uncertain significance for Hereditary cancer-predisposing syndrome. Last evaluated: 2026-08-05. Review status: criteria provided, single submitter. Criteria: Ambry Variant Classification Scheme 2023. Collection method: clinical testing. Allele origin: germline.
Comment: The c.634_639delTATCCT variant (also known as p.Y212_P213del) is located in coding exon 4 of the CHEK2 gene. This variant results from an in-frame TATCCT deletion at nucleotide positions 634 to 639. This results in the in-frame deletion of two amino acids at codons 212 and 213. This amino acid region is well conserved in available vertebrate species. In addition, this variant is predicted to be deleterious by in silico analysis (Choi Y et al. PLoS ONE. 2012; 7(10):e46688). Based on the available evidence, the clinical significance of this variant remains unclear.

NM_007194.4(CHEK2):c.634_639del (p.Tyr212_Pro213del)

Gene: CHEK2 (checkpoint kinase 2; minus strand). Cytogenetic location: 22q12.1.
Variant type: Deletion.
Coding change: c.634_639del on transcript NM_007194.4 (MANE Select); coding-DNA positions 634 to 639, 6 bases deleted (TATCCT; older notation c.634_639delTATCCT).
Protein change: p.Tyr212_Pro213del.
Molecular consequence: 5 prime UTR variant (on NM_001257387.3). On other transcripts: intron variant (1).
Genome position (GRCh38, 1-based): chr22:28,719,439-28,719,444, AGGATA deleted on the plus strand (TATCCT on the coding strand, the reverse complement: CHEK2 is on the minus strand); deleting any 6 consecutive bases within chr22:28,719,439-28,719,445 gives the same sequence; the c. name uses the placement nearest the transcript's 3' end. VCF-style (leftmost placement, unchanged base first): chr22-28719438-TAGGATA-T. GRCh37 (hg19) VCF-style: chr22-29115426-TAGGATA-T.
Other names: c.763_768del, p.Tyr255_Pro256del (NM_001005735.3, NM_001438294.1); c.-30_-25del (NM_001257387.3, NM_001437942.1); c.727_732del, p.Tyr243_Pro244del (NM_001438293.1, NM_001438295.1); c.634_639del, p.Tyr212_Pro213del (NM_145862.3); c.482+5442_482+5447del (NM_001349956.3).
Identifiers: ClinVar variation 5034561 (VCV005034561.1).
Genomic context (GRCh38, chr22:28,719,438, plus strand): 5'-ATAAGAAAATAATTTACCTTCCAAGAGTTTTTGACATGATGTATTCATCTCTTAATGCCT[TAGGATA>T]AACTGACTGATCATCTACAGTCAGATCAAAAAAGACAAAAACTAAGGAAGAAAAGAGTAG-3'